The following is an entry in ClinVar:

ClinVar aggregate classification (germline): Likely pathogenic. Review status: criteria provided, multiple submitters, no conflicts (2 of 4 stars). 2 submissions from 2 submitters: Likely pathogenic (2). Last evaluated 2024-01-22.

Conditions:
Congenital myasthenic syndrome 19. Identifiers: Orphanet 590, MedGen C4225235, MONDO:0014745, OMIM 616720.

Allele frequency attached by ClinVar (database versions not stated): gnomAD exomes 0.00001 and 0.00003; TOPMed 0.00002; ExAC 0.00003.
gnomAD v4.1: 13 of 1,610,490 alleles (0.00081%); highest among the groups gnomAD compares: Admixed American, 0.01%; no homozygotes.

Submissions (2):

Fulgent Genetics
Classification: Likely pathogenic for Congenital myasthenic syndrome 19. Last evaluated: 2024-01-22. Review status: criteria provided, single submitter. Criteria: ACMG Guidelines, 2015. Collection method: clinical testing. Allele origin: germline.

Labcorp Genetics (formerly Invitae), Labcorp
Classification: Likely pathogenic. Last evaluated: 2023-04-15. Review status: criteria provided, single submitter. Criteria: Invitae Variant Classification Sherloc (09022015). Collection method: clinical testing. Allele origin: germline.
Comment: Algorithms developed to predict the effect of sequence changes on RNA splicing suggest that this variant may disrupt the consensus splice site. In summary, the currently available evidence indicates that the variant is pathogenic, but additional data are needed to prove that conclusively. Therefore, this variant has been classified as Likely Pathogenic. ClinVar contains an entry for this variant (Variation ID: 1504717). This variant has not been reported in the literature in individuals affected with COL13A1-related conditions. This variant is present in population databases (rs759296053, gnomAD 0.02%). This sequence change affects an acceptor splice site in intron 18 of the COL13A1 gene. It is expected to disrupt RNA splicing. Variants that disrupt the donor or acceptor splice site typically lead to a loss of protein function (PMID: 16199547), and loss-of-function variants in COL13A1 are known to be pathogenic (PMID: 26626625).

Literature cited by the submitters: PubMed 16199547 (cited by Labcorp Genetics (formerly Invitae), Labcorp); PubMed 26626625 (cited by Labcorp Genetics (formerly Invitae), Labcorp).

NM_001368882.1(COL13A1):c.967-2A>G

Gene: COL13A1 (collagen type XIII alpha 1 chain; plus strand). Cytogenetic location: 10q22.1.
Variant type: single nucleotide variant.
Coding change: c.967-2A>G on transcript NM_001368882.1 (MANE Select); the canonical splice acceptor site of the intron before coding-DNA position 967, A replaced by G.
Molecular consequence: splice acceptor variant.
Genome position (GRCh38, 1-based): chr10:69,918,283, A>G. VCF-style: chr10-69918283-A-G. GRCh37 (hg19) VCF-style: chr10-71678039-A-G.
Other names: c.967-2A>G (NM_001320951.2, NM_001368884.1); c.997-2A>G (NM_001130103.2); c.931-2A>G (NM_080801.4, NM_080802.4, NM_001368883.1 and 1 more transcripts); c.940-2A>G (NM_080800.4); c.367-2A>G (NM_001368886.1); c.844-2A>G (NM_080805.4); c.853-2A>G (NM_001368897.1); c.877-2A>G (NM_001368895.1); and 1 more.
Identifiers: ClinVar variation 1504717 (VCV001504717.7), dbSNP rs759296053, ClinGen allele CA5534543.